The following is an entry in ClinVar:

NM_000051.4(ATM):c.9140G>A (p.Arg3047Gln)

Genes: C11orf65 (chromosome 11 open reading frame 65; minus strand), ATM (ATM serine/threonine kinase; plus strand). Cytogenetic location: 11q22.3.
Variant type: single nucleotide variant.
Coding change: c.9140G>A on transcript NM_000051.4 (MANE Select); coding-DNA position 9140, G replaced by A.
Protein change: p.Arg3047Gln; replaces arginine 3047 with glutamine.
Molecular consequence: missense variant. On other transcripts: intron variant (2).
Genome position (GRCh38, 1-based): chr11:108,365,477, G>A. VCF-style: chr11-108365477-G-A. GRCh37 (hg19) VCF-style: chr11-108236204-G-A.
Other names: c.9140G>A, p.Arg3047Gln (NM_001351834.2); c.640+20443C>T (NM_001330368.2); c.694+20443C>T (NM_001351110.2); short protein forms R3047Q.
Identifiers: ClinVar variation 481121 (VCV000481121.55), dbSNP rs1047129530, ClinGen allele CA228384106.

ClinVar aggregate classification (germline): Uncertain significance. Review status: criteria provided, multiple submitters, no conflicts (2 of 4 stars). 3 submissions from 3 submitters: Uncertain significance (3). Last evaluated 2025-07-24.

Conditions:
Hereditary cancer-predisposing syndrome. Also called: Neoplastic Syndromes, Hereditary; Hereditary Cancer Syndrome; Tumor predisposition; Hereditary neoplastic syndrome. Identifiers: Orphanet 140162, MedGen C0027672, MeSH D009386, MONDO:0015356.
Familial cancer of breast. Also called: Hereditary breast cancer; BREAST CANCER, FAMILIAL; hereditary breast carcinoma. Identifiers: Orphanet 227535, MedGen C0346153, MONDO:0016419, OMIM 114480. Disease mechanism: loss of function.
Ataxia-telangiectasia syndrome (AT). Also called: LOUIS-BAR SYNDROME; Cerebello-oculocutaneous telangiectasia; Immunodeficiency with ataxia telangiectasia; Ataxia-telangiectasia, complementation group D; AT, COMPLEMENTATION GROUP C; Ataxia-telangiectasia, complementation group E. Identifiers: Orphanet 100, MedGen C0004135, MONDO:0008840, OMIM 208900.

Allele frequency attached by ClinVar (database versions not stated): gnomAD exomes below 0.00001.
gnomAD v4.1: 1 of 1,614,158 alleles (0.000062%); highest among the groups gnomAD compares: Non-Finnish European, 0.000085%; no homozygotes.

Submissions (3):

Ambry Genetics
Classification: Uncertain significance for Hereditary cancer-predisposing syndrome. Last evaluated: 2025-07-24. Review status: criteria provided, single submitter. Criteria: Ambry Variant Classification Scheme 2023. Collection method: clinical testing. Allele origin: germline.
Comment: The p.R3047Q variant (also known as c.9140G>A), located in coding exon 62 of the ATM gene, results from a G to A substitution at nucleotide position 9140. The arginine at codon 3047 is replaced by glutamine, an amino acid with highly similar properties. This amino acid position is highly conserved in available vertebrate species. In addition, the in silico prediction for this alteration is inconclusive. Based on the available evidence, the clinical significance of this variant remains unclear.

Labcorp Genetics (formerly Invitae), Labcorp
Classification: Uncertain significance for Ataxia-telangiectasia syndrome. Last evaluated: 2025-02-17. Review status: criteria provided, single submitter. Criteria: Invitae Variant Classification Sherloc (09022015). Collection method: clinical testing. Allele origin: germline.
Comment: This sequence change replaces arginine, which is basic and polar, with glutamine, which is neutral and polar, at codon 3047 of the ATM protein (p.Arg3047Gln). This variant is not present in population databases (gnomAD no frequency). This variant has not been reported in the literature in individuals affected with ATM-related conditions. ClinVar contains an entry for this variant (Variation ID: 481121). Invitae Evidence Modeling of protein sequence and biophysical properties (such as structural, functional, and spatial information, amino acid conservation, physicochemical variation, residue mobility, and thermodynamic stability) indicates that this missense variant is not expected to disrupt ATM protein function with a negative predictive value of 95%. Experimental studies are conflicting or provide insufficient evidence to determine the effect of this variant on ATM function (PMID: 26344566). In summary, the available evidence is currently insufficient to determine the role of this variant in disease. Therefore, it has been classified as a Variant of Uncertain Significance.

Fulgent Genetics
Classification: Uncertain significance for Familial cancer of breast; Ataxia-telangiectasia syndrome. Last evaluated: 2024-05-23. Review status: criteria provided, single submitter. Criteria: ACMG Guidelines, 2015. Collection method: clinical testing. Allele origin: germline.

Literature cited by the submitters: PubMed 26344566 (cited by Labcorp Genetics (formerly Invitae), Labcorp).